The following is an entry in ClinVar:

NM_006790.3(MYOT):c.1008G>T (p.Val336=)

Genes: MYOT (myotilin; plus strand), PKD2L2-DT (PKD2L2 divergent transcript; minus strand). Cytogenetic location: 5q31.2.
Variant type: single nucleotide variant.
Coding change: c.1008G>T on transcript NM_006790.3 (MANE Select); coding-DNA position 1008, G replaced by T.
Protein change: p.Val336=; no amino-acid change (valine 336 retained).
Molecular consequence: synonymous variant.
Genome position (GRCh38, 1-based): chr5:137,883,575, G>T. VCF-style: chr5-137883575-G-T. GRCh37 (hg19) VCF-style: chr5-137219264-G-T.
Other names: c.456G>T, p.Val152= (NM_001135940.2); c.663G>T, p.Val221= (NM_001300911.2).
Identifiers: ClinVar variation 198548 (VCV000198548.62), dbSNP rs142828368, ClinGen allele CA203490.

ClinVar aggregate classification (germline): Benign/Likely benign. Review status: criteria provided, multiple submitters, no conflicts (2 of 4 stars). 14 submissions from 14 submitters: Benign (8); Likely benign (3). 3 of the submissions do not count toward it. Last evaluated 2026-08-01.

Conditions:
Myofibrillar myopathy 3 (MFM3). Also called: Autosomal dominant spheroid body myopathy; Muscular dystrophy, proximal, type 1A. Identifiers: Orphanet 266, Orphanet 268129, MedGen C3714934, MONDO:0012215, OMIM 609200.

Allele frequency attached by ClinVar (database versions not stated): TOPMed 0.00215; 1000 Genomes Project 0.00220; 1000 Genomes Project 30x 0.00234; ESP Exome Variant Server 0.00254; gnomAD 0.00363 and 0.00381; gnomAD exomes 0.00373 and 0.00397; ExAC 0.00394.
gnomAD v4.1: 5,957 of 1,614,032 alleles (0.37%); highest among the groups gnomAD compares: Non-Finnish European, 0.37%; 21 homozygotes.

Submissions (14):

CeGaT Center for Human Genetics Tuebingen
Classification: Likely benign. Last evaluated: 2026-08-01. Review status: criteria provided, single submitter. Criteria: CeGaT Center For Human Genetics Tuebingen Variant Classification Criteria Version 2. Collection method: clinical testing. Allele origin: germline. Affected: yes. Observed: 5 variant alleles.
Comment: MYOT: BP4, BP7

Labcorp Genetics (formerly Invitae), Labcorp
Classification: Benign for Myofibrillar myopathy 3. Last evaluated: 2026-01-28. Review status: criteria provided, single submitter. Criteria: Invitae Variant Classification Sherloc (09022015). Collection method: clinical testing. Allele origin: germline.

Athena Diagnostics
Classification: Benign. Last evaluated: 2025-01-20. Review status: criteria provided, single submitter. Criteria: Athena Diagnostics Criteria. Collection method: clinical testing. Allele origin: unknown.
Comment: The frequency of this variant in the general population is higher than would generally be expected for pathogenic variants in this gene.

Blueprint Genetics
Classification: Likely benign. Last evaluated: 2024-11-22. Review status: criteria provided, single submitter. Criteria: ACMG Guidelines, 2015. Collection method: clinical testing. Allele origin: germline.

Women's Health and Genetics/Laboratory Corporation of America, LabCorp
Classification: Benign. Last evaluated: 2023-08-19. Review status: criteria provided, single submitter. Criteria: LabCorp Variant Classification Summary - May 2015. Collection method: clinical testing. Allele origin: germline.

ARUP Laboratories, Molecular Genetics and Genomics, ARUP Laboratories
Classification: Benign. Last evaluated: 2019-11-11. Review status: criteria provided, single submitter. Criteria: ARUP Molecular Germline Variant Investigation Process. Collection method: clinical testing. Allele origin: germline.

Illumina Laboratory Services, Illumina
Classification: Benign for Myofibrillar myopathy 3. Last evaluated: 2018-01-13. Review status: criteria provided, single submitter. Criteria: ICSL Variant Classification Criteria 13 December 2019. Collection method: clinical testing. Allele origin: germline.
Comment: This variant was observed in the ICSL laboratory as part of a predisposition screen in an ostensibly healthy population. It had not been previously curated by ICSL or reported in the Human Gene Mutation Database (HGMD: prior to June 1st, 2018), and was therefore a candidate for classification through an automated scoring system. Utilizing variant allele frequency, disease prevalence and penetrance estimates, and inheritance mode, an automated score was calculated to assess if this variant is too frequent to cause the disease. Based on the score and internal cut-off values, a variant classified as benign is not then subjected to further curation. The score for this variant resulted in a classification of benign for this disease.

GeneDx
Classification: Benign. Last evaluated: 2017-06-28. Review status: criteria provided, single submitter. Criteria: GeneDx Variant Classification (06012015). Collection method: clinical testing. Allele origin: germline. Affected: yes.
Comment: This variant is considered likely benign or benign based on one or more of the following criteria: it is a conservative change, it occurs at a poorly conserved position in the protein, it is predicted to be benign by multiple in silico algorithms, and/or has population frequency not consistent with disease.

Eurofins Ntd Llc (ga)
Classification: Benign. Last evaluated: 2015-05-27. Review status: criteria provided, single submitter. Criteria: EGL Classification Definitions 2015. Collection method: clinical testing. Allele origin: germline. Observed: 5 variant alleles, 5 heterozygotes.

Breakthrough Genomics
Classification: Likely benign. Review status: criteria provided, single submitter. Criteria: ACMG Guidelines, 2015. Collection method: not provided. Allele origin: germline. Inheritance: Autosomal dominant inheritance. Affected: yes.

PreventionGenetics, part of Exact Sciences
Classification: Benign. Review status: criteria provided, single submitter. Criteria: ACMG Guidelines, 2015. Collection method: clinical testing. Allele origin: germline.

Clinical Genetics DNA and cytogenetics Diagnostics Lab, Erasmus MC, Erasmus Medical Center
Classification: Likely benign. Review status: no assertion criteria provided. Collection method: clinical testing. Allele origin: germline. Affected: yes. Study: VKGL Data-share Consensus. Not counted in ClinVar's aggregate classification.

Genome Diagnostics Laboratory, University Medical Center Utrecht
Classification: Benign. Review status: no assertion criteria provided. Collection method: clinical testing. Allele origin: germline. Affected: yes. Study: VKGL Data-share Consensus. Not counted in ClinVar's aggregate classification.

Laboratory of Diagnostic Genome Analysis, Leiden University Medical Center (LUMC)
Classification: Likely benign. Review status: no assertion criteria provided. Collection method: clinical testing. Allele origin: germline. Affected: yes. Study: VKGL Data-share Consensus. Not counted in ClinVar's aggregate classification.